The following is an entry in ClinVar:

ClinVar aggregate classification (germline): Uncertain significance (1 of 4 stars; one submission).

Submission:

Dasa
Classification: Uncertain significance. Last evaluated: 2025-08-13. Review status: criteria provided, single submitter. Criteria: DASA Assertion Criteria. Collection method: clinical testing. Allele origin: germline.
Comment: NM_001042432.2(CLN3):c.141C>G (p.Cys47Trp) is a missense variant that results in the substitution of cysteine with tryptophan. This variant is absent from population databases. Computational prediction algorithms are consistent with a deleterious effect. The currently available literature and clinical evidence are not sufficient to establish a definitive association between this variant and the reported condition. Therefore, this variant is classified as a variant of uncertain significance.

NM_001042432.2(CLN3):c.141C>G (p.Cys47Trp)

Gene: CLN3 (CLN3 lysosomal/endosomal transmembrane protein, battenin; minus strand). Cytogenetic location: 16p12.1.
Variant type: single nucleotide variant.
Coding change: c.141C>G on transcript NM_001042432.2 (MANE Select); coding-DNA position 141, C replaced by G.
Protein change: p.Cys47Trp; replaces cysteine 47 with tryptophan.
Molecular consequence: missense variant. On other transcripts: 5 prime UTR variant (3).
Genome position (GRCh38, 1-based): chr16:28,489,371, G>C on the plus strand (C>G on the coding strand, the complement: CLN3 is on the minus strand). VCF-style: chr16-28489371-G-C. GRCh37 (hg19) VCF-style: chr16-28500692-G-C.
Other names: c.141C>G, p.Cys47Trp (NM_000086.2, NM_001286104.2); c.-80C>G (NM_001286105.2); c.-22C>G (NM_001286109.2, NM_001286110.2); short protein forms C47W.
Identifiers: ClinVar variation 4883201 (VCV004883201.2).
Genomic context (GRCh38, chr16:28,489,371, plus strand): 5'-CCTCTTGTGGCTAAGGATGTCGTGGGCGGCACTCAGCATCACCACATAAGAGAAGTTGTT[G>C]CAAAGGCCCAGCAGCCTGGAAGGAGCAGGACAGGTCTCAACTCCCTCCTCATCCTGCAGC-3'
Protein context (NP_001035897.1, residues 37-57): NAVGFWLLGL[Cys47Trp]NNFSYVVMLS